The following is an entry in ClinVar:

NM_002473.6(MYH9):c.1843+5G>A

Gene: MYH9 (myosin heavy chain 9; minus strand). Cytogenetic location: 22q12.3.
Variant type: single nucleotide variant.
Coding change: c.1843+5G>A on transcript NM_002473.6 (MANE Select); 5 bases into the intron after coding-DNA position 1843, G replaced by A.
Molecular consequence: intron variant.
Genome position (GRCh38, 1-based): chr22:36,309,277, C>T on the plus strand (G>A on the coding strand, the complement: MYH9 is on the minus strand). VCF-style: chr22-36309277-C-T. GRCh37 (hg19) VCF-style: chr22-36705322-C-T.
Identifiers: ClinVar variation 3588002 (VCV003588002.2).
Genomic context (GRCh38, chr22:36,309,277, plus strand): 5'-GTGGAGGTGGGAAGATGACCAGCCGCAGCCAAGAGGAGGCAGGGGGCGAAGGGCAAAGGG[C>T]GTACCATCCTTCCACAGCTCCGAGACAAACTTGTCAGAGGACTGGTGGAGCAGTGTGGCG-3'

ClinVar aggregate classification (germline): Uncertain significance. Review status: criteria provided, multiple submitters, no conflicts (2 of 4 stars). 2 submissions from 2 submitters: Uncertain significance (2). Last evaluated 2025-07-27.

Conditions:
Macrothrombocytopenia and granulocyte inclusions with or without nephritis or sensorineural hearing loss (MATINS). Also called: SEBASTIAN PLATELET SYNDROME; MACROTHROMBOCYTOPENIA WITH DISPERSED LEUKOCYTIC INCLUSIONS; MACROTHROMBOCYTOPENIA, NEPHRITIS, AND DEAFNESS; MACROTHROMBOCYTOPENIA, NEPHRITIS, DEAFNESS, AND LEUKOCYTE INCLUSIONS; ALPORT SYNDROME WITH MACROTHROMBOCYTOPENIA; Fechtner syndrome. Identifiers: Orphanet 182050, MedGen C5200934, MONDO:0015912, OMIM 155100.
Autosomal dominant nonsyndromic hearing loss 17. Also called: Deafness, autosomal dominant 17; Autosomal dominant nonsyndromic deafness 17. Identifiers: Orphanet 90635, MedGen C1863659, MONDO:0011350, OMIM 603622.

gnomAD v4.1: 8 of 1,612,268 alleles (0.0005%); highest among the groups gnomAD compares: East Asian, 0.0022%; no homozygotes.

Submissions (2):

Labcorp Genetics (formerly Invitae), Labcorp
Classification: Uncertain significance. Last evaluated: 2025-07-27. Review status: criteria provided, single submitter. Criteria: Invitae Variant Classification Sherloc (09022015). Collection method: clinical testing. Allele origin: germline.
Comment: This sequence change falls in intron 15 of the MYH9 gene. It does not directly change the encoded amino acid sequence of the MYH9 protein. It affects a nucleotide within the consensus splice site. This variant is present in population databases (rs774197881, gnomAD 0.004%). This variant has not been reported in the literature in individuals affected with MYH9-related conditions. ClinVar contains an entry for this variant (Variation ID: 3588002). Variants that disrupt the consensus splice site are a relatively common cause of aberrant splicing (PMID: 17576681, 9536098). Algorithms developed to predict the effect of sequence changes on RNA splicing suggest that this variant may disrupt the consensus splice site. In summary, the available evidence is currently insufficient to determine the role of this variant in disease. Therefore, it has been classified as a Variant of Uncertain Significance.

Fulgent Genetics
Classification: Uncertain significance for Macrothrombocytopenia and granulocyte inclusions with or without nephritis or sensorineural hearing loss; Autosomal dominant nonsyndromic hearing loss 17. Last evaluated: 2024-04-01. Review status: criteria provided, single submitter. Criteria: ACMG Guidelines, 2015. Collection method: clinical testing. Allele origin: germline.

Literature cited by the submitters: PubMed 17576681 (cited by Labcorp Genetics (formerly Invitae), Labcorp); PubMed 9536098 (cited by Labcorp Genetics (formerly Invitae), Labcorp).